The following is an entry in ClinVar:

ClinVar aggregate classification (germline): Uncertain significance. Review status: criteria provided, single submitter (1 of 4 stars). 2 submissions from 2 submitters: Uncertain significance (1). 1 of the submissions does not count toward it. Last evaluated 2024-01-07.

Conditions:
EP300-related disorder. Also called: EP300-related condition; EP300-related disorders.
Rubinstein-Taybi syndrome due to EP300 haploinsufficiency. Also called: EP300-Related Rubinstein-Taybi Syndrome; RUBINSTEIN-TAYBI SYNDROME 2. Identifiers: Orphanet 353284, Orphanet 783, MedGen C3150941, MONDO:0013364, OMIM 613684.

Submissions (2):

Labcorp Genetics (formerly Invitae), Labcorp
Classification: Uncertain significance for Rubinstein-Taybi syndrome due to EP300 haploinsufficiency. Last evaluated: 2024-01-07. Review status: criteria provided, single submitter. Criteria: Invitae Variant Classification Sherloc (09022015). Collection method: clinical testing. Allele origin: germline.
Comment: This sequence change replaces threonine, which is neutral and polar, with serine, which is neutral and polar, at codon 992 of the EP300 protein (p.Thr992Ser). This variant is not present in population databases (gnomAD no frequency). This variant has not been reported in the literature in individuals affected with EP300-related conditions. Advanced modeling of protein sequence and biophysical properties (such as structural, functional, and spatial information, amino acid conservation, physicochemical variation, residue mobility, and thermodynamic stability) performed at Invitae indicates that this missense variant is not expected to disrupt EP300 protein function with a negative predictive value of 95%. In summary, the available evidence is currently insufficient to determine the role of this variant in disease. Therefore, it has been classified as a Variant of Uncertain Significance.

PreventionGenetics, part of Exact Sciences
Classification: Uncertain significance for EP300-related condition. Last evaluated: 2024-05-16. Review status: no assertion criteria provided. Collection method: clinical testing. Allele origin: germline. Not counted in ClinVar's aggregate classification.
Comment: The EP300 c.2975C>G variant is predicted to result in the amino acid substitution p.Thr992Ser. To our knowledge, this variant has not been reported in the literature or in a large population database, indicating this variant is rare. At this time, the clinical significance of this variant is uncertain due to the absence of conclusive functional and genetic evidence.

NM_001429.4(EP300):c.2975C>G (p.Thr992Ser)

Genes: EP300 (EP300 lysine acetyltransferase; plus strand), LOC126863158 (BRD4-independent group 4 enhancer GRCh37_chr22:41547383-41548582; plus strand). Cytogenetic location: 22q13.2.
Variant type: single nucleotide variant.
Coding change: c.2975C>G on transcript NM_001429.4 (MANE Select); coding-DNA position 2975, C replaced by G.
Protein change: p.Thr992Ser; replaces threonine 992 with serine.
Molecular consequence: missense variant.
Genome position (GRCh38, 1-based): chr22:41,151,990, C>G. VCF-style: chr22-41151990-C-G. GRCh37 (hg19) VCF-style: chr22-41547994-C-G.
Other names: c.2897C>G, p.Thr966Ser (NM_001362843.2); c.2975C>G (NM_001429.3); short protein forms T966S, T992S.
Identifiers: ClinVar variation 2802820 (VCV002802820.4), dbSNP rs760974878, ClinGen allele CA411693086.